The following is an entry in ClinVar:

ClinVar aggregate classification (germline): Uncertain significance (1 of 4 stars; one submission).

Conditions:
Intellectual developmental disorder, X-linked 30. Also called: MENTAL RETARDATION, X-LINKED 47; Intellectual disability, X-linked 30. Identifiers: Orphanet 777, MedGen C0796237, MONDO:0010361, OMIM 300558.

Submission:

Institute of Human Genetics, University of Leipzig Medical Center
Classification: Uncertain significance for Intellectual developmental disorder, X-linked 30. Last evaluated: 2024-06-21. Review status: criteria provided, single submitter. Criteria: ACMG Guidelines, 2015. Collection method: clinical testing. Allele origin: maternal. Inheritance: X-linked recessive inheritance. Affected: yes.
Comment: Criteria applied: PM2,PP2

NM_002578.5(PAK3):c.1266G>T (p.Met422Ile)

Gene: PAK3 (p21 (RAC1) activated kinase 3; plus strand). Cytogenetic location: Xq23.
Variant type: single nucleotide variant.
Coding change: c.1266G>T on transcript NM_002578.5 (MANE Select); coding-DNA position 1266, G replaced by T.
Protein change: p.Met422Ile; replaces methionine 422 with isoleucine.
Molecular consequence: missense variant. On other transcripts: non-coding transcript variant (2).
Genome position (GRCh38, 1-based): chrX:111,196,499, G>T. VCF-style: chrX-111196499-G-T. GRCh37 (hg19) VCF-style: chrX-110439727-G-T.
Other names: c.1266G>T, p.Met422Ile (NM_001128166.3, NM_001128167.3, NM_001324325.2 and 5 more transcripts); c.1374G>T, p.Met458Ile (NM_001128168.3); c.1329G>T, p.Met443Ile (NM_001128172.2); c.1311G>T, p.Met437Ile (NM_001128173.3, NM_001324327.2, NM_001324328.2 and 2 more transcripts); short protein forms M443I, M458I, M422I, M437I.
Identifiers: ClinVar variation 3359067 (VCV003359067.2).